The following is an entry in ClinVar:

ClinVar aggregate classification (germline): Benign/Likely benign. Review status: criteria provided, multiple submitters, no conflicts (2 of 4 stars). 4 submissions from 4 submitters: Benign (3); Likely benign (1). Last evaluated 2025-10-22.

Conditions:
Chudley-McCullough syndrome (CMCS). Also called: DEAFNESS, SENSORINEURAL, WITH PARTIAL AGENESIS OF THE CORPUS CALLOSUM AND ARACHNOID CYSTS; Deafness, autosomal recessive 82. Identifiers: Orphanet 314597, MedGen C1858695, MONDO:0011411, OMIM 604213.

Submissions (4):

Labcorp Genetics (formerly Invitae), Labcorp
Classification: Benign. Last evaluated: 2025-10-22. Review status: criteria provided, single submitter. Criteria: Invitae Variant Classification Sherloc (09022015). Collection method: clinical testing. Allele origin: germline.

ARUP Laboratories, Molecular Genetics and Genomics, ARUP Laboratories
Classification: Likely benign for Chudley-McCullough syndrome. Last evaluated: 2023-11-03. Review status: criteria provided, single submitter. Criteria: ARUP Molecular Germline Variant Investigation Process 2024. Collection method: clinical testing. Allele origin: germline.

GeneDx
Classification: Benign. Last evaluated: 2019-10-30. Review status: criteria provided, single submitter. Criteria: GeneDx Variant Classification Process June 2021. Collection method: clinical testing. Allele origin: germline. Affected: yes.

Laboratory for Molecular Medicine, Mass General Brigham Personalized Medicine
Classification: Benign. Last evaluated: 2017-01-12. Review status: criteria provided, single submitter. Criteria: LMM Criteria. Collection method: clinical testing. Allele origin: germline. Observed: 1 variant allele.
Comment: p.Thr523del in exon 13 of GPSM2: This variant is not expected to have clinical s ignificance because it has been identified in 1.8% (158/8654) of East Asian chro mosomes by the Exome Aggregation Consortium (ExAC, g; dbSNP rs199964596).

NM_013296.5(GPSM2):c.1560AAC[2] (p.Thr523del)

Gene: GPSM2 (G protein signaling modulator 2; plus strand). Cytogenetic location: 1p13.3.
Variant type: Microsatellite.
Coding change: c.1560AAC[2] on transcript NM_013296.5 (MANE Select); two copies in a row of the 3-base unit AAC starting at c.1560; the reference has three copies in a row; one copy, 3 bases deleted.
Protein change: p.Thr523del; deletes threonine 523.
Molecular consequence: inframe deletion.
Genome position (GRCh38, 1-based): chr1:108,922,542-108,922,544, AAC deleted; deleting any 3 consecutive bases within chr1:108,922,535-108,922,544 gives the same sequence; the position shown is the placement nearest the transcript's 3' end. VCF-style (leftmost placement, unchanged base first): chr1-108922534-TCAA-T. GRCh37 (hg19) VCF-style: chr1-109465156-TCAA-T.
Other names: c.1566_1568delAAC (NM_013296.4); c.1560AAC[2], p.Thr523del (NM_001321038.2, NM_001321039.3); short protein forms T523del.
Identifiers: ClinVar variation 517193 (VCV000517193.17), dbSNP rs199964596, ClinGen allele CA983088.